The following is an entry in ClinVar:

NM_001101362.3(KBTBD13):c.382T>C (p.Phe128Leu)

Gene: KBTBD13 (kelch repeat and BTB domain containing 13; plus strand). Cytogenetic location: 15q22.31.
Variant type: single nucleotide variant.
Coding change: c.382T>C on transcript NM_001101362.3 (MANE Select); coding-DNA position 382, T replaced by C.
Protein change: p.Phe128Leu; replaces phenylalanine 128 with leucine.
Molecular consequence: missense variant.
Genome position (GRCh38, 1-based): chr15:65,077,197, T>C. VCF-style: chr15-65077197-T-C. GRCh37 (hg19) VCF-style: chr15-65369535-T-C.
Other names: c.382T>C (NM_001101362.2); short protein forms F128L.
Identifiers: ClinVar variation 1426480 (VCV001426480.9), dbSNP rs572875121, ClinGen allele CA271503527.
Genomic context (GRCh38, chr15:65,077,197, plus strand): 5'-TTGCTGTGCGACGCGGCCGCCGCCTTCGGCCTGCGCGACGTGTTCCACAGTGCCGCGCTC[T>C]TCATCTGCGACGGCGAGCGCGAGCTGGCGGCCGAACTGGCGCTGCCTGAGGCCCGCGCCT-3'
Protein context (NP_001094832.1, residues 118-138): LRDVFHSAAL[Phe128Leu]ICDGERELAA

ClinVar aggregate classification (germline): Uncertain significance. Review status: criteria provided, multiple submitters, no conflicts (2 of 4 stars). 2 submissions from 2 submitters: Uncertain significance (2). Last evaluated 2025-08-26.

Conditions:
Inborn genetic diseases. Identifiers: MedGen C0950123, MeSH D030342.
Nemaline myopathy 6 (NEM6). Also called: Nemaline myopathy 6, autosomal dominant. Identifiers: Orphanet 171439, MedGen C1836472, MONDO:0012237, OMIM 609273.

Allele frequency attached by ClinVar (database versions not stated): gnomAD exomes 0.00001; gnomAD 0.00012; TOPMed 0.00013; 1000 Genomes Project 30x 0.00031; 1000 Genomes Project 0.00060.
gnomAD v4.1: 31 of 1,459,006 alleles (0.0021%); highest among the groups gnomAD compares: African/African-American, 0.037%; no homozygotes.

Submissions (2):

Ambry Genetics
Classification: Uncertain significance for Inborn genetic diseases. Last evaluated: 2025-08-26. Review status: criteria provided, single submitter. Criteria: Ambry Variant Classification Scheme 2023. Collection method: clinical testing. Allele origin: germline.

Labcorp Genetics (formerly Invitae), Labcorp
Classification: Uncertain significance for Nemaline myopathy 6. Last evaluated: 2021-06-21. Review status: criteria provided, single submitter. Criteria: Invitae Variant Classification Sherloc (09022015). Collection method: clinical testing. Allele origin: germline.
Comment: In summary, the available evidence is currently insufficient to determine the role of this variant in disease. Therefore, it has been classified as a Variant of Uncertain Significance. Algorithms developed to predict the effect of missense changes on protein structure and function output the following: SIFT: "Deleterious"; PolyPhen-2: "Benign"; Align-GVGD: "Class C0". The leucine amino acid residue is found in multiple mammalian species, suggesting that this missense change does not adversely affect protein function. These predictions have not been confirmed by published functional studies and their clinical significance is uncertain. This variant has not been reported in the literature in individuals with KBTBD13-related conditions. The frequency data for this variant in the population databases is considered unreliable, as metrics indicate insufficient coverage at this position in the ExAC database. This sequence change replaces phenylalanine with leucine at codon 128 of the KBTBD13 protein (p.Phe128Leu). The phenylalanine residue is weakly conserved and there is a small physicochemical difference between phenylalanine and leucine.